The following is an entry in ClinVar:

NM_206965.2(FTCD):c.1098+15A>G

Gene: FTCD (formimidoyltransferase cyclodeaminase; minus strand). Cytogenetic location: 21q22.3.
Variant type: single nucleotide variant.
Coding change: c.1098+15A>G on transcript NM_206965.2 (MANE Select); 15 bases into the intron after coding-DNA position 1098, A replaced by G.
Molecular consequence: intron variant.
Genome position (GRCh38, 1-based): chr21:46,145,803, T>C on the plus strand (A>G on the coding strand, the complement: FTCD is on the minus strand). VCF-style: chr21-46145803-T-C. GRCh37 (hg19) VCF-style: chr21-47565717-T-C.
Other names: c.1098+15A>G (NM_001320412.2, NM_006657.3).
Identifiers: ClinVar variation 402885 (VCV000402885.4), dbSNP rs1060499859, ClinGen allele CA16609782.
Genomic context (GRCh38, chr21:46,145,803, plus strand): 5'-CCCCAACAGCGCCCTTCCCCCTCCCCGCCCTCCCCCCAACAACTGCGCCTCCCCTGCCCC[T>C]CCCCCCGCGCTCACCATGGCCGCAGCGGCCGCCGCCACCGAGCCGCCCCCGGGGGCCGCA-3'

ClinVar aggregate classification (germline): Likely benign (1 of 4 stars; one submission).

Allele frequency attached by ClinVar (database versions not stated): gnomAD 0.00008.

Submission:

Laboratory for Molecular Medicine, Mass General Brigham Personalized Medicine
Classification: Likely benign. Last evaluated: 2016-03-29. Review status: criteria provided, single submitter. Criteria: LMM Criteria. Collection method: clinical testing. Allele origin: germline.
Comment: Variant identified in a genome or exome case(s) and assessed due to predicted null impact of the variant or pathogenic assertions in the literature or databases. Disclaimer: This variant has not undergone full assessment. The following are preliminary notes: Variant not in splice consensus